The following is an entry in ClinVar:

ClinVar aggregate classification (germline): Conflicting classifications of pathogenicity. Review status: criteria provided, conflicting classifications (1 of 4 stars). 6 submissions from 6 submitters: Uncertain significance (1); Benign (1); Likely benign (2). 2 of the submissions do not count toward it. Last evaluated 2025-12-29.

Conditions:
Joubert syndrome 15 (JBTS15). Identifiers: Orphanet 475, MedGen C3280897, MONDO:0013763, OMIM 614464.

Allele frequency attached by ClinVar (database versions not stated): TOPMed 0.00034; 1000 Genomes Project 0.00040; 1000 Genomes Project 30x 0.00047.
gnomAD v4.1: 969 of 1,593,012 alleles (0.061%); highest among the groups gnomAD compares: Non-Finnish European, 0.061%; 1 homozygote.

Submissions (6):

Labcorp Genetics (formerly Invitae), Labcorp
Classification: Benign for Joubert syndrome 15. Last evaluated: 2025-12-29. Review status: criteria provided, single submitter. Criteria: Invitae Variant Classification Sherloc (09022015). Collection method: clinical testing. Allele origin: germline.

Blueprint Genetics
Classification: Likely benign. Last evaluated: 2024-09-16. Review status: criteria provided, single submitter. Criteria: ACMG Guidelines, 2015. Collection method: clinical testing. Allele origin: germline.

GeneDx
Classification: Likely benign. Last evaluated: 2018-03-08. Review status: criteria provided, single submitter. Criteria: GeneDx Variant Classification (06012015). Collection method: clinical testing. Allele origin: germline. Affected: yes.
Comment: This variant is considered likely benign or benign based on one or more of the following criteria: it is a conservative change, it occurs at a poorly conserved position in the protein, it is predicted to be benign by multiple in silico algorithms, and/or has population frequency not consistent with disease.

Illumina Laboratory Services, Illumina
Classification: Uncertain significance for Joubert syndrome 15. Last evaluated: 2018-01-15. Review status: criteria provided, single submitter. Criteria: ICSL Variant Classification Criteria 13 December 2019. Collection method: clinical testing. Allele origin: germline.

Clinical Genetics DNA and cytogenetics Diagnostics Lab, Erasmus MC, Erasmus Medical Center
Classification: Benign. Review status: no assertion criteria provided. Collection method: clinical testing. Allele origin: germline. Affected: yes. Study: VKGL Data-share Consensus. Not counted in ClinVar's aggregate classification.

Clinical Genetics, Academic Medical Center
Classification: Benign. Review status: no assertion criteria provided. Collection method: clinical testing. Allele origin: germline. Affected: yes. Study: VKGL Data-share Consensus. Not counted in ClinVar's aggregate classification.

NM_018718.3(CEP41):c.278-15A>T

Gene: CEP41 (centrosomal protein 41; minus strand). Cytogenetic location: 7q32.2.
Variant type: single nucleotide variant.
Coding change: c.278-15A>T on transcript NM_018718.3 (MANE Select); 15 bases into the intron before coding-DNA position 278, A replaced by T.
Molecular consequence: intron variant.
Genome position (GRCh38, 1-based): chr7:130,404,723, T>A on the plus strand (A>T on the coding strand, the complement: CEP41 is on the minus strand). VCF-style: chr7-130404723-T-A. GRCh37 (hg19) VCF-style: chr7-130044564-T-A.
Other names: c.230-15A>T (NM_001257159.2); c.278-15A>T (NM_001257158.2).
Identifiers: ClinVar variation 384130 (VCV000384130.18), dbSNP rs142452124, ClinGen allele CA4485611.